The following is an entry in ClinVar:

ClinVar aggregate classification (germline): Uncertain significance (1 of 4 stars; one submission).

Allele frequency attached by ClinVar (database versions not stated): gnomAD 0.00001 and 0.00002; gnomAD exomes 0.00002 and 0.00003; TOPMed 0.00002; ExAC 0.00004.
gnomAD v4.1: 28 of 1,612,674 alleles (0.0017%); highest among the groups gnomAD compares: East Asian, 0.018%; no homozygotes.

Submission:

Labcorp Genetics (formerly Invitae), Labcorp
Classification: Uncertain significance. Last evaluated: 2023-10-13. Review status: criteria provided, single submitter. Criteria: Invitae Variant Classification Sherloc (09022015). Collection method: clinical testing. Allele origin: germline.
Comment: This sequence change falls in intron 12 of the MCM5 gene. It does not directly change the encoded amino acid sequence of the MCM5 protein. It affects a nucleotide within the consensus splice site. This variant is present in population databases (rs757716633, gnomAD 0.02%). This variant has not been reported in the literature in individuals affected with MCM5-related conditions. ClinVar contains an entry for this variant (Variation ID: 1391496). Variants that disrupt the consensus splice site are a relatively common cause of aberrant splicing (PMID: 17576681, 9536098). Algorithms developed to predict the effect of sequence changes on RNA splicing suggest that this variant is not likely to affect RNA splicing. In summary, the available evidence is currently insufficient to determine the role of this variant in disease. Therefore, it has been classified as a Variant of Uncertain Significance.

Literature cited by the submitters: PubMed 17576681; PubMed 9536098.

NM_006739.4(MCM5):c.1590+5G>A

Gene: MCM5 (minichromosome maintenance complex component 5; plus strand). Cytogenetic location: 22q12.3.
Variant type: single nucleotide variant.
Coding change: c.1590+5G>A on transcript NM_006739.4 (MANE Select); 5 bases into the intron after coding-DNA position 1590, G replaced by A.
Molecular consequence: intron variant.
Genome position (GRCh38, 1-based): chr22:35,416,819, G>A. VCF-style: chr22-35416819-G-A. GRCh37 (hg19) VCF-style: chr22-35812812-G-A.
Identifiers: ClinVar variation 1391496 (VCV001391496.6), dbSNP rs757716633, ClinGen allele CA10205419.